The following is an entry in ClinVar:

NM_006662.3(SRCAP):c.5275C>G (p.Pro1759Ala)

Gene: SRCAP (Snf2 related CREBBP activator protein; plus strand). Cytogenetic location: 16p11.2.
Variant type: single nucleotide variant.
Coding change: c.5275C>G on transcript NM_006662.3 (MANE Select); coding-DNA position 5275, C replaced by G.
Protein change: p.Pro1759Ala; replaces proline 1759 with alanine.
Molecular consequence: missense variant.
Genome position (GRCh38, 1-based): chr16:30,724,699, C>G. VCF-style: chr16-30724699-C-G. GRCh37 (hg19) VCF-style: chr16-30736020-C-G.
Other names: c.5275C>G (NM_006662.2); short protein forms P1759A.
Identifiers: ClinVar variation 2083134 (VCV002083134.5), dbSNP rs1263889163, ClinGen allele CA395617983.

ClinVar aggregate classification (germline): Uncertain significance. Review status: criteria provided, multiple submitters, no conflicts (2 of 4 stars). 2 submissions from 2 submitters: Uncertain significance (2). Last evaluated 2025-11-20.

Conditions:
Inborn genetic diseases. Identifiers: MedGen C0950123, MeSH D030342.

Allele frequency attached by ClinVar (database versions not stated): gnomAD exomes below 0.00001; TOPMed 0.00002.
gnomAD v4.1: 7 of 1,613,954 alleles (0.00043%); highest among the groups gnomAD compares: Admixed American, 0.0083%; no homozygotes.

Submissions (2):

Ambry Genetics
Classification: Uncertain significance for Inborn genetic diseases. Last evaluated: 2025-11-20. Review status: criteria provided, single submitter. Criteria: Ambry Variant Classification Scheme 2023. Collection method: clinical testing. Allele origin: germline.

Labcorp Genetics (formerly Invitae), Labcorp
Classification: Uncertain significance. Last evaluated: 2025-04-14. Review status: criteria provided, single submitter. Criteria: Invitae Variant Classification Sherloc (09022015). Collection method: clinical testing. Allele origin: germline.
Comment: This sequence change replaces proline, which is neutral and non-polar, with alanine, which is neutral and non-polar, at codon 1759 of the SRCAP protein (p.Pro1759Ala). This variant is present in population databases (no rsID available, gnomAD 0.0009%). This variant has not been reported in the literature in individuals affected with SRCAP-related conditions. ClinVar contains an entry for this variant (Variation ID: 2083134). Invitae Evidence Modeling of protein sequence and biophysical properties (such as structural, functional, and spatial information, amino acid conservation, physicochemical variation, residue mobility, and thermodynamic stability) indicates that this missense variant is not expected to disrupt SRCAP protein function with a negative predictive value of 80%. In summary, the available evidence is currently insufficient to determine the role of this variant in disease. Therefore, it has been classified as a Variant of Uncertain Significance.